The following is an entry in ClinVar:

ClinVar aggregate classification (germline): Uncertain significance (1 of 4 stars; one submission).

Conditions:
Early-infantile DEE. Also called: Early infantile epileptic encephalopathy; Ohtahara syndrome; Early infantile epileptic encephalopathy with suppression bursts. Identifiers: Orphanet 1934, MedGen C0393706, MONDO:0800491.

Allele frequency attached by ClinVar (database versions not stated): gnomAD exomes below 0.00001.
gnomAD v4.1: 1 of 1,613,100 alleles (0.000062%); highest among the groups gnomAD compares: Admixed American, 0.0017%; no homozygotes.

Submission:

Labcorp Genetics (formerly Invitae), Labcorp
Classification: Uncertain significance for Early-infantile DEE. Last evaluated: 2025-09-15. Review status: criteria provided, single submitter. Criteria: Invitae Variant Classification Sherloc (09022015). Collection method: clinical testing. Allele origin: germline.
Comment: This sequence change replaces methionine, which is neutral and non-polar, with leucine, which is neutral and non-polar, at codon 705 of the CACNA2D2 protein (p.Met705Leu). This variant is present in population databases (no rsID available, gnomAD 0.003%). This variant has not been reported in the literature in individuals affected with CACNA2D2-related conditions. ClinVar contains an entry for this variant (Variation ID: 953908). An algorithm developed to predict the effect of missense changes on protein structure and function (PolyPhen-2) suggests that this variant is likely to be disruptive. In summary, the available evidence is currently insufficient to determine the role of this variant in disease. Therefore, it has been classified as a Variant of Uncertain Significance.

NM_006030.4(CACNA2D2):c.2113A>T (p.Met705Leu)

Genes: CACNA2D2 (calcium voltage-gated channel auxiliary subunit alpha2delta 2; minus strand), LOC101928965 (uncharacterized LOC101928965; plus strand), LOC127898564 (CYB561D2-LOC101928965; plus strand). Cytogenetic location: 3p21.31.
Variant type: single nucleotide variant.
Coding change: c.2113A>T on transcript NM_006030.4 (MANE Select); coding-DNA position 2113, A replaced by T.
Protein change: p.Met705Leu; replaces methionine 705 with leucine.
Molecular consequence: missense variant. On other transcripts: non-coding transcript variant (3).
Genome position (GRCh38, 1-based): chr3:50,368,168, T>A on the plus strand (A>T on the coding strand, the complement: CACNA2D2 is on the minus strand). VCF-style: chr3-50368168-T-A. GRCh37 (hg19) VCF-style: chr3-50405599-T-A.
Other names: c.2113A>T, p.Met705Leu (NM_001005505.3); c.2134A>T, p.Met712Leu (NM_001174051.3); c.1906A>T, p.Met636Leu (NM_001291101.1); short protein forms M705L, M712L, M636L.
Identifiers: ClinVar variation 953908 (VCV000953908.8), dbSNP rs1266791814, ClinGen allele CA352916151.